The following is an entry in ClinVar:

ClinVar aggregate classification (germline): Uncertain significance. Review status: criteria provided, multiple submitters, no conflicts (2 of 4 stars). 3 submissions from 3 submitters: Uncertain significance (3). Last evaluated 2023-05-06.

Conditions:
Developmental and epileptic encephalopathy, 69. Also called: EPILEPTIC ENCEPHALOPATHY, EARLY INFANTILE, 69. Identifiers: MedGen C4748988, MONDO:0032657, OMIM 618285.

Submissions (3):

GeneDx
Classification: Uncertain significance. Last evaluated: 2023-05-06. Review status: criteria provided, single submitter. Criteria: GeneDx Variant Classification Process June 2021. Collection method: clinical testing. Allele origin: germline. Affected: yes.
Comment: Not observed at significant frequency in large population cohorts (gnomAD); In silico analysis supports that this missense variant does not alter protein structure/function; Has not been previously published as pathogenic or benign to our knowledge; This variant is associated with the following publications: (PMID: 27535533)

Genome-Nilou Lab
Classification: Uncertain significance for Developmental and epileptic encephalopathy, 69. Last evaluated: 2023-04-11. Review status: criteria provided, single submitter. Criteria: ACMG Guidelines, 2015. Collection method: clinical testing. Allele origin: germline. Affected: no.

Labcorp Genetics (formerly Invitae), Labcorp
Classification: Uncertain significance. Last evaluated: 2021-03-08. Review status: criteria provided, single submitter. Criteria: Invitae Variant Classification Sherloc (09022015). Collection method: clinical testing. Allele origin: germline.
Comment: This sequence change replaces asparagine with serine at codon 1395 of the CACNA1E protein (p.Asn1395Ser). The asparagine residue is highly conserved and there is a small physicochemical difference between asparagine and serine. In summary, the available evidence is currently insufficient to determine the role of this variant in disease. Therefore, it has been classified as a Variant of Uncertain Significance. Advanced modeling of protein sequence and biophysical properties (such as structural, functional, and spatial information, amino acid conservation, physicochemical variation, residue mobility, and thermodynamic stability) performed at Invitae indicates that this missense variant is not expected to disrupt CACNA1E protein function. This variant has not been reported in the literature in individuals with CACNA1E-related conditions. This variant is not present in population databases (ExAC no frequency).

NM_001205293.3(CACNA1E):c.4184A>G (p.Asn1395Ser)

Gene: CACNA1E (calcium voltage-gated channel subunit alpha1 E; plus strand). Cytogenetic location: 1q25.3.
Variant type: single nucleotide variant.
Coding change: c.4184A>G on transcript NM_001205293.3 (MANE Select); coding-DNA position 4184, A replaced by G.
Protein change: p.Asn1395Ser; replaces asparagine 1395 with serine.
Molecular consequence: missense variant.
Genome position (GRCh38, 1-based): chr1:181,756,981, A>G. VCF-style: chr1-181756981-A-G. GRCh37 (hg19) VCF-style: chr1-181726117-A-G.
Other names: c.4184A>G, p.Asn1395Ser (NM_000721.4); c.4127A>G, p.Asn1376Ser (NM_001205294.2); short protein forms N1376S, N1395S.
Identifiers: ClinVar variation 1327630 (VCV001327630.11), dbSNP rs2102689310, ClinGen allele CA343624265.